The following is an entry in ClinVar:

ClinVar aggregate classification (germline): Uncertain significance (1 of 4 stars; one submission).

Submission:

Mayo Clinic Laboratories, Mayo Clinic
Classification: Uncertain significance. Last evaluated: 2023-03-17. Review status: criteria provided, single submitter. Criteria: ACMG Guidelines, 2015. Collection method: clinical testing. Allele origin: germline. Observed: 1 variant allele.
Comment: BP4, PM2

NM_000081.4(LYST):c.4321G>C (p.Glu1441Gln)

Gene: LYST (lysosomal trafficking regulator; minus strand). Cytogenetic location: 1q42.3.
Variant type: single nucleotide variant.
Coding change: c.4321G>C on transcript NM_000081.4 (MANE Select); coding-DNA position 4321, G replaced by C.
Protein change: p.Glu1441Gln; replaces glutamic acid 1441 with glutamine.
Molecular consequence: missense variant.
Genome position (GRCh38, 1-based): chr1:235,791,921, C>G on the plus strand (G>C on the coding strand, the complement: LYST is on the minus strand). VCF-style: chr1-235791921-C-G. GRCh37 (hg19) VCF-style: chr1-235955221-C-G.
Other names: p.Glu1441Gln; c.4321G>C, p.Glu1441Gln (NM_001301365.1); short protein forms E1441Q.
Identifiers: ClinVar variation 2682724 (VCV002682724.1), dbSNP rs2526910735, ClinGen allele CA344959919.